The following is an entry in ClinVar:

ClinVar aggregate classification (germline): Uncertain significance. Review status: criteria provided, multiple submitters, no conflicts (2 of 4 stars). 2 submissions from 2 submitters: Uncertain significance (2). Last evaluated 2023-11-28.

gnomAD v4.1: 1 of 1,601,542 alleles (0.000062%); highest among the groups gnomAD compares: Non-Finnish European, 0.000085%; no homozygotes.

Submissions (2):

GeneDx
Classification: Uncertain significance. Last evaluated: 2023-11-28. Review status: criteria provided, single submitter. Criteria: GeneDx Variant Classification Process June 2021. Collection method: clinical testing. Allele origin: germline. Affected: yes.
Comment: Not observed at significant frequency in large population cohorts (gnomAD); In silico analysis supports that this missense variant has a deleterious effect on protein structure/function; Has not been previously published as pathogenic or benign to our knowledge

Genetic Services Laboratory, University of Chicago
Classification: Uncertain significance. Last evaluated: 2017-02-23. Review status: criteria provided, single submitter. Criteria: ACMG Guidelines, 2015. Collection method: clinical testing. Allele origin: germline. Affected: no.

NM_001134407.3(GRIN2A):c.415G>T (p.Asp139Tyr)

Gene: GRIN2A (glutamate ionotropic receptor NMDA type subunit 2A; minus strand). Cytogenetic location: 16p13.2.
Variant type: single nucleotide variant.
Coding change: c.415G>T on transcript NM_001134407.3 (MANE Select); coding-DNA position 415, G replaced by T.
Protein change: p.Asp139Tyr; replaces aspartic acid 139 with tyrosine.
Molecular consequence: missense variant.
Genome position (GRCh38, 1-based): chr16:9,938,551, C>A on the plus strand (G>T on the coding strand, the complement: GRIN2A is on the minus strand). VCF-style: chr16-9938551-C-A. GRCh37 (hg19) VCF-style: chr16-10032408-C-A.
Other names: c.415G>T, p.Asp139Tyr (NM_000833.5, NM_001134408.2); short protein forms D139Y.
Identifiers: ClinVar variation 435378 (VCV000435378.7), dbSNP rs1555455852, ClinGen allele CA394799695.